The following is an entry in ClinVar:

NM_003073.5(SMARCB1):c.696G>A (p.Thr232=)

Gene: SMARCB1 (SWI/SNF related BAF chromatin remodeling complex subunit B1; plus strand). Cytogenetic location: 22q11.23.
Variant type: single nucleotide variant.
Coding change: c.696G>A on transcript NM_003073.5 (MANE Select); coding-DNA position 696, G replaced by A.
Protein change: p.Thr232=; no amino-acid change (threonine 232 retained).
Molecular consequence: synonymous variant.
Genome position (GRCh38, 1-based): chr22:23,816,837, G>A. VCF-style: chr22-23816837-G-A. GRCh37 (hg19) VCF-style: chr22-24159024-G-A.
Other names: c.696G>A (LRG_520t1); c.669G>A, p.Thr223= (NM_001007468.3); c.723G>A, p.Thr241= (NM_001317946.2); c.750G>A, p.Thr250= (NM_001362877.2).
Identifiers: ClinVar variation 416321 (VCV000416321.51), dbSNP rs145934279, ClinGen allele CA10146034.

ClinVar aggregate classification (germline): Benign/Likely benign. Review status: criteria provided, multiple submitters, no conflicts (2 of 4 stars). 7 submissions from 6 submitters: Benign (1); Likely benign (6). Last evaluated 2026-01-28.

Conditions:
Hereditary cancer-predisposing syndrome. Also called: Tumor predisposition; Hereditary neoplastic syndrome; Hereditary Cancer Syndrome; Neoplastic Syndromes, Hereditary. Identifiers: Orphanet 140162, MedGen C0027672, MeSH D009386, MONDO:0015356.
Rhabdoid tumor predisposition syndrome 1 (RTPS1). Also called: Familial Posterior Fossa Brain Tumor of Infancy. Identifiers: Orphanet 231108, Orphanet 69077, MedGen C1836327, MONDO:0012252, OMIM 609322.
SMARCB1-related schwannomatosis. Also called: Schwannomatosis 1; SWNTS1. Identifiers: Orphanet 93921, MedGen C4048809, MONDO:0024517, OMIM 162091. Disease mechanism: loss of function.

Allele frequency attached by ClinVar (database versions not stated): TOPMed 0.00010; ExAC 0.00011; 1000 Genomes Project 30x 0.00016; 1000 Genomes Project 0.00020; gnomAD 0.00029; ESP Exome Variant Server 0.00031.
gnomAD v4.1: 155 of 1,613,908 alleles (0.0096%); highest among the groups gnomAD compares: Non-Finnish European, 0.0095%; no homozygotes.

Submissions (7):

Labcorp Genetics (formerly Invitae), Labcorp
Classification: Likely benign. Last evaluated: 2026-01-28. Review status: criteria provided, single submitter. Criteria: Invitae Variant Classification Sherloc (09022015). Collection method: clinical testing. Allele origin: germline.

CeGaT Center for Human Genetics Tuebingen
Classification: Likely benign. Last evaluated: 2025-06-01. Review status: criteria provided, single submitter. Criteria: CeGaT Center For Human Genetics Tuebingen Variant Classification Criteria Version 2. Collection method: clinical testing. Allele origin: germline. Affected: yes. Observed: 9 variant alleles.
Comment: SMARCB1: BP4, BP7

Blueprint Genetics
Classification: Likely benign. Last evaluated: 2024-10-04. Review status: criteria provided, single submitter. Criteria: ACMG Guidelines, 2015. Collection method: clinical testing. Allele origin: germline.

Sema4
Classification: Benign for Hereditary cancer-predisposing syndrome. Last evaluated: 2020-12-30. Review status: criteria provided, single submitter. Criteria: Sema4 Curation Guidelines. Collection method: curation. Allele origin: germline.

Illumina Laboratory Services, Illumina
Classification: Likely benign for SMARCB1-related schwannomatosis. Last evaluated: 2018-01-13. Review status: criteria provided, single submitter. Criteria: ICSL Variant Classification Criteria 13 December 2019. Collection method: clinical testing. Allele origin: germline.
Comment: This variant was observed in the ICSL laboratory as part of a predisposition screen in an ostensibly healthy population. It had not been previously curated by ICSL or reported in the Human Gene Mutation Database (HGMD: prior to June 1st, 2018), and was therefore a candidate for classification through an automated scoring system. Utilizing variant allele frequency, disease prevalence and penetrance estimates, and inheritance mode, an automated score was calculated to assess if this variant is too frequent to cause the disease. Based on the score and internal cut-off values, a variant classified as likely benign is not then subjected to further curation. The score for this variant resulted in a classification of likely benign for this disease.

Illumina Laboratory Services, Illumina
Classification: Likely benign for Rhabdoid tumor predisposition syndrome 1. Last evaluated: 2018-01-13. Review status: criteria provided, single submitter. Criteria: ICSL Variant Classification Criteria 13 December 2019. Collection method: clinical testing. Allele origin: germline.
Comment: the same text as in the submission from Illumina Laboratory Services, Illumina above.

Ambry Genetics
Classification: Likely benign for Hereditary cancer-predisposing syndrome. Last evaluated: 2017-05-10. Review status: criteria provided, single submitter. Criteria: Ambry Variant Classification Scheme 2023. Collection method: clinical testing. Allele origin: germline.